The following is an entry in ClinVar:

NM_000481.4(AMT):c.190A>C (p.Ser64Arg)

Gene: AMT (aminomethyltransferase; minus strand). Cytogenetic location: 3p21.31.
Variant type: single nucleotide variant.
Coding change: c.190A>C on transcript NM_000481.4 (MANE Select); coding-DNA position 190, A replaced by C.
Protein change: p.Ser64Arg; replaces serine 64 with arginine.
Molecular consequence: missense variant. On other transcripts: non-coding transcript variant (1), intron variant (1).
Genome position (GRCh38, 1-based): chr3:49,422,172, T>G on the plus strand (A>C on the coding strand, the complement: AMT is on the minus strand). VCF-style: chr3-49422172-T-G. GRCh37 (hg19) VCF-style: chr3-49459605-T-G.
Other names: c.190A>C, p.Ser64Arg (NM_001164710.2, NM_001164712.2); c.90+189A>C (NM_001164711.2); short protein forms S64R.
Identifiers: ClinVar variation 3370997 (VCV003370997.1).

ClinVar aggregate classification (germline): Uncertain significance (1 of 4 stars; one submission).

gnomAD v4.1: 2 of 1,613,970 alleles (0.00012%); highest among the groups gnomAD compares: African/African-American, 0.0027%; no homozygotes.

Submission:

GeneDx
Classification: Uncertain significance. Last evaluated: 2024-03-19. Review status: criteria provided, single submitter. Criteria: GeneDx Variant Classification Process June 2021. Collection method: clinical testing. Allele origin: germline. Affected: yes.
Comment: Not observed at significant frequency in large population cohorts (gnomAD); In silico analysis supports that this missense variant does not alter protein structure/function; Has not been previously published as pathogenic or benign to our knowledge